The following is an entry in ClinVar:

NM_001943.5(DSG2):c.2742T>C (p.Ser914=)

Genes: DSG2 (desmoglein 2; plus strand), DSG2-AS1 (DSG2 antisense RNA 1; minus strand). Cytogenetic location: 18q12.1.
Variant type: single nucleotide variant.
Coding change: c.2742T>C on transcript NM_001943.5 (MANE Select); coding-DNA position 2742, T replaced by C.
Protein change: p.Ser914=; no amino-acid change (serine 914 retained).
Molecular consequence: synonymous variant.
Genome position (GRCh38, 1-based): chr18:31,546,128, T>C. VCF-style: chr18-31546128-T-C. GRCh37 (hg19) VCF-style: chr18-29126091-T-C.
Identifiers: ClinVar variation 629575 (VCV000629575.16), dbSNP rs529198523, ClinGen allele CA047067.

ClinVar aggregate classification (germline): Likely benign. Review status: criteria provided, multiple submitters, no conflicts (2 of 4 stars). 6 submissions from 6 submitters: Likely benign (6). Last evaluated 2025-12-24.

Conditions:
DSG2-related disorder. Also called: DSG2-related condition.
Cardiovascular phenotype. Identifiers: MedGen CN230736.
Dilated cardiomyopathy 1BB (CMD1BB). Also called: CARDIOMYOPATHY, DILATED, 1BB, SUSCEPTIBILITY TO. Identifiers: Orphanet 154, MedGen C2752072, MONDO:0013030, OMIM 612877.
Arrhythmogenic right ventricular dysplasia 10. Also called: Arrhythmogenic right ventricular dysplasia/cardiomyopathy, type 10; Arrhythmogenic Right Ventricular Dysplasia/Cardiomyopathy10; ARRHYTHMOGENIC RIGHT VENTRICULAR DYSPLASIA, FAMILIAL, 10. Identifiers: MedGen C1857777, MONDO:0012434, OMIM 610193.
Cardiomyopathy (CMYO). Also called: Cardiomyopathies. Identifiers: Orphanet 167848, MedGen C0878544, MONDO:0004994, HP:0001638. Inheritance: Various modes of inheritance.
Arrhythmogenic right ventricular cardiomyopathy (ARVD). Also called: Arrhythmogenic cardiomyopathy; Arrhythmogenic Right Ventricular Cardiomyopathy (ARVC); Arrhythmogenic right ventricular dysplasia; Cardiomyopathy, ARVC. Identifiers: Orphanet 247, MedGen C0349788, MeSH D019571, MONDO:0016587. Disease mechanism: loss of function. Inheritance: Various modes of inheritance.

Allele frequency attached by ClinVar (database versions not stated): gnomAD exomes below 0.00001 and 0.00001; gnomAD 0.00001 and 0.00003; ExAC 0.00002; TOPMed 0.00003; 1000 Genomes Project 30x 0.00016; 1000 Genomes Project 0.00020.
gnomAD v4.1: 8 of 1,614,212 alleles (0.0005%); highest among the groups gnomAD compares: African/African-American, 0.0093%; no homozygotes.

Submissions (6):

Labcorp Genetics (formerly Invitae), Labcorp
Classification: Likely benign for Arrhythmogenic right ventricular dysplasia 10. Last evaluated: 2025-12-24. Review status: criteria provided, single submitter. Criteria: Invitae Variant Classification Sherloc (09022015). Collection method: clinical testing. Allele origin: germline.

PreventionGenetics, part of Exact Sciences
Classification: Likely benign for DSG2-related condition. Last evaluated: 2024-10-13. Review status: criteria provided, single submitter. Criteria: ACMG Guidelines, 2015. Collection method: clinical testing. Allele origin: germline.
Comment: This variant is classified as likely benign based on ACMG/AMP sequence variant interpretation guidelines (Richards et al. 2015 PMID: 25741868, with internal and published modifications).

All of Us Research Program, National Institutes of Health
Classification: Likely benign for Arrhythmogenic right ventricular cardiomyopathy. Last evaluated: 2024-07-20. Review status: criteria provided, single submitter. Criteria: ACMG Guidelines, 2015. Collection method: clinical testing. Allele origin: germline. Inheritance: Autosomal dominant inheritance. Observed: 7 variant alleles, 7 heterozygotes.
Comment: This study involves interpretation of variants in research participants for the purpose of population health screening. Participant phenotype was not available at the time of variant classification. Additional details can be found in publication PMID: 35346344, PMCID: PMC8962531

Fulgent Genetics
Classification: Likely benign for Arrhythmogenic right ventricular dysplasia 10; Dilated cardiomyopathy 1BB. Last evaluated: 2021-08-11. Review status: criteria provided, single submitter. Criteria: ACMG Guidelines, 2015. Collection method: clinical testing. Allele origin: unknown.

Ambry Genetics
Classification: Likely benign for Cardiovascular phenotype. Last evaluated: 2020-05-16. Review status: criteria provided, single submitter. Criteria: Ambry Variant Classification Scheme 2023. Collection method: clinical testing. Allele origin: germline.

Color Diagnostics, LLC DBA Color Health
Classification: Likely benign for Cardiomyopathy. Last evaluated: 2018-10-16. Review status: criteria provided, single submitter. Criteria: ACMG Guidelines, 2015. Collection method: clinical testing. Allele origin: germline.